The following is an entry in ClinVar:

ClinVar aggregate classification (germline): Uncertain significance (1 of 4 stars; one submission).

Submission:

Labcorp Genetics (formerly Invitae), Labcorp
Classification: Uncertain significance. Last evaluated: 2021-09-24. Review status: criteria provided, single submitter. Criteria: Invitae Variant Classification Sherloc (09022015). Collection method: clinical testing. Allele origin: germline.
Comment: This sequence change falls in intron 4 of the CABP4 gene. It does not directly change the encoded amino acid sequence of the CABP4 protein. It affects a nucleotide within the consensus splice site of the intron. This variant is not present in population databases (ExAC no frequency). This variant has not been reported in the literature in individuals affected with CABP4-related conditions. Variants that disrupt the consensus splice site are a relatively common cause of aberrant splicing (PMID: 17576681, 9536098). Algorithms developed to predict the effect of sequence changes on RNA splicing suggest that this variant may disrupt the consensus splice site. In summary, the available evidence is currently insufficient to determine the role of this variant in disease. Therefore, it has been classified as a Variant of Uncertain Significance.

Literature cited by the submitters: PubMed 17576681; PubMed 9536098.

NM_145200.5(CABP4):c.651+5G>C

Gene: CABP4 (calcium binding protein 4; plus strand). Cytogenetic location: 11q13.2.
Variant type: single nucleotide variant.
Coding change: c.651+5G>C on transcript NM_145200.5 (MANE Select); 5 bases into the intron after coding-DNA position 651, G replaced by C.
Molecular consequence: intron variant.
Genome position (GRCh38, 1-based): chr11:67,457,687, G>C. VCF-style: chr11-67457687-G-C. GRCh37 (hg19) VCF-style: chr11-67225158-G-C.
Other names: c.336+5G>C (NM_001379183.1, NM_001300896.3, NM_001300895.3).
Identifiers: ClinVar variation 1477216 (VCV001477216.6), dbSNP rs377174577, ClinGen allele CA2573147628.